The following is an entry in ClinVar:

ClinVar aggregate classification (germline): Uncertain significance (1 of 4 stars; one submission).

gnomAD v4.1: 1 of 1,546,380 alleles (0.000065%); highest among the groups gnomAD compares: Non-Finnish European, 0.000087%; no homozygotes.

Submission:

Labcorp Genetics (formerly Invitae), Labcorp
Classification: Uncertain significance. Last evaluated: 2023-09-06. Review status: criteria provided, single submitter. Criteria: Invitae Variant Classification Sherloc (09022015). Collection method: clinical testing. Allele origin: germline.
Comment: This sequence change replaces arginine, which is basic and polar, with leucine, which is neutral and non-polar, at codon 830 of the LAMA5 protein (p.Arg830Leu). In summary, the available evidence is currently insufficient to determine the role of this variant in disease. Therefore, it has been classified as a Variant of Uncertain Significance. An algorithm developed to predict the effect of missense changes on protein structure and function (PolyPhen-2) suggests that this variant is likely to be disruptive. This variant has not been reported in the literature in individuals affected with LAMA5-related conditions. This variant is not present in population databases (gnomAD no frequency).

NM_005560.6(LAMA5):c.2489G>T (p.Arg830Leu)

Gene: LAMA5 (laminin subunit alpha 5; minus strand). Cytogenetic location: 20q13.33.
Variant type: single nucleotide variant.
Coding change: c.2489G>T on transcript NM_005560.6 (MANE Select); coding-DNA position 2489, G replaced by T.
Protein change: p.Arg830Leu; replaces arginine 830 with leucine.
Molecular consequence: missense variant.
Genome position (GRCh38, 1-based): chr20:62,334,615, C>A on the plus strand (G>T on the coding strand, the complement: LAMA5 is on the minus strand). VCF-style: chr20-62334615-C-A. GRCh37 (hg19) VCF-style: chr20-60909671-C-A.
Other names: short protein forms R830L.
Identifiers: ClinVar variation 2811775 (VCV002811775.3), dbSNP rs1317328135, ClinGen allele CA409570044.